The following is an entry in ClinVar:

ClinVar aggregate classification (germline): Uncertain significance (1 of 4 stars; one submission).

Conditions:
CIC-related disorder. Also called: CIC-related condition.

Submission:

PreventionGenetics, part of Exact Sciences
Classification: Uncertain significance for CIC-related condition. Last evaluated: 2023-03-27. Review status: criteria provided, single submitter. Criteria: ACMG Guidelines, 2015. Collection method: clinical testing. Allele origin: germline.
Comment: The CIC c.682C>T variant is predicted to result in the amino acid substitution p.Arg228Trp. To our knowledge, this variant has not been reported in the literature or in a large population database, indicating this variant is rare. A different substitution impacting the same amino acid (p.Arg228Gln) was reported in an individual with speech delay; it was not known whether the variant was inherited or occurred de novo in the reported patient (Sharma et al. 2022. PubMed ID: 35165976). The authors also reported that the p.Arg228Gln substitution led to partial loss of transcriptional repressor activity (Sharma et al. 2022. PubMed ID: 35165976). At this time, the clinical significance of the c.682C>T (p.Arg228Trp) variant is uncertain due to the absence of conclusive functional and genetic evidence.

NM_001386298.1(CIC):c.3409C>T (p.Arg1137Trp)

Gene: CIC (capicua transcriptional repressor; plus strand). Cytogenetic location: 19q13.2.
Variant type: single nucleotide variant.
Coding change: c.3409C>T on transcript NM_001386298.1 (MANE Select); coding-DNA position 3409, C replaced by T.
Protein change: p.Arg1137Trp; replaces arginine 1137 with tryptophan.
Molecular consequence: missense variant.
Genome position (GRCh38, 1-based): chr19:42,287,644, C>T. VCF-style: chr19-42287644-C-T. GRCh37 (hg19) VCF-style: chr19-42791796-C-T.
Other names: c.3409C>T, p.Arg1137Trp (NM_001304815.2, NM_001379480.1, NM_001379482.1 and 1 more transcripts); c.682C>T, p.Arg228Trp (NM_001379484.1, NM_001379485.1, NM_015125.5); short protein forms R1137W, R228W.
Identifiers: ClinVar variation 2630123 (VCV002630123.1), dbSNP rs2147198804, ClinGen allele CA406098098.